The following is an entry in ClinVar:

NM_002968.3(SALL1):c.565_566dup (p.Val190fs)

Gene: SALL1 (spalt like transcription factor 1; minus strand). Cytogenetic location: 16q12.1.
Variant type: Microsatellite.
Coding change: c.565_566dup on transcript NM_002968.3 (MANE Select); coding-DNA positions 565 to 566, 2 bases duplicated (TC; older notation c.565_566dupTC).
Protein change: p.Val190fs; shifts the reading frame from valine 190.
Molecular consequence: frameshift variant.
Genome position (GRCh38, 1-based): chr16:51,141,656-51,141,657, GA duplicated on the plus strand (TC on the coding strand, the reverse complement: SALL1 is on the minus strand); duplicating any 2 consecutive bases within chr16:51,141,656-51,141,659 gives the same sequence; the c. name uses the placement nearest the transcript's 3' end. VCF-style (leftmost placement, unchanged base first): chr16-51141655-G-GGA. GRCh37 (hg19) VCF-style: chr16-51175566-G-GGA.
Other names: c.274_275dup, p.Val93fs (NM_001127892.2); short protein forms V190fs, V93fs.
Identifiers: ClinVar variation 1204271 (VCV001204271.3), dbSNP rs2143450333, ClinGen allele CA2580613476.
Genomic context (GRCh38, chr16:51,141,655, plus strand): 5'-CTGGGCCACCGCCACCTTGGTGCTCTGGAGGTTCTCGATGATGACGTTGCTGTTGATTAC[G>GGA]GAGAAGTTGCCCAGTGTTGTCAGGTCCCCGAGTTGAGGTAGAGAGGTTGTGATCGCTGAG-3'

ClinVar aggregate classification (germline): Pathogenic (1 of 4 stars; one submission).

Submission:

GeneDx
Classification: Pathogenic. Last evaluated: 2020-05-26. Review status: criteria provided, single submitter. Criteria: GeneDx Variant Classification Process June 2021. Collection method: clinical testing. Allele origin: germline. Affected: yes.
Comment: Frameshift variant predicted to result in protein truncation or nonsense mediated decay in a gene for which loss-of-function is a known mechanism of disease; Not observed in large population cohorts (Lek et al., 2016); Has not been previously published as pathogenic or benign to our knowledge